The following is an entry in ClinVar:

ClinVar aggregate classification (germline): Likely benign. Review status: criteria provided, multiple submitters, no conflicts (2 of 4 stars). 2 submissions from 2 submitters: Likely benign (2). Last evaluated 2025-04-17.

Conditions:
Hereditary cancer-predisposing syndrome. Also called: Hereditary neoplastic syndrome; Neoplastic Syndromes, Hereditary; Tumor predisposition; Hereditary Cancer Syndrome. Identifiers: Orphanet 140162, MedGen C0027672, MeSH D009386, MONDO:0015356.
Neurofibromatosis, type 1 (NF1). Also called: VON RECKLINGHAUSEN DISEASE; Peripheral type neurofibromatosis; NEUROFIBROMATOSIS, TYPE I, SOMATIC; Neurofibromatosis, type I. Identifiers: Orphanet 636, MedGen C0027831, MONDO:0018975, OMIM 162200. Disease mechanism: loss of function.

Submissions (2):

Labcorp Genetics (formerly Invitae), Labcorp
Classification: Likely benign for Neurofibromatosis, type 1. Last evaluated: 2025-04-17. Review status: criteria provided, single submitter. Criteria: Invitae Variant Classification Sherloc (09022015). Collection method: clinical testing. Allele origin: germline.

Ambry Genetics
Classification: Likely benign for Hereditary cancer-predisposing syndrome. Last evaluated: 2016-01-28. Review status: criteria provided, single submitter. Criteria: Ambry Autosomal Dominant and X-Linked criteria (10/2015). Collection method: clinical testing. Allele origin: germline. Observed: 1 variant allele.
Comment: Synonymous alterations with insufficient evidence to classify as benign

NM_001042492.3(NF1):c.978A>G (p.Lys326=)

Gene: NF1 (neurofibromin 1; plus strand). Cytogenetic location: 17q11.2.
Variant type: single nucleotide variant.
Coding change: c.978A>G on transcript NM_001042492.3 (MANE Select); coding-DNA position 978, A replaced by G.
Protein change: p.Lys326=; no amino-acid change (lysine 326 retained).
Molecular consequence: synonymous variant.
Genome position (GRCh38, 1-based): chr17:31,200,511, A>G. VCF-style: chr17-31200511-A-G. GRCh37 (hg19) VCF-style: chr17-29527529-A-G.
Other names: c.978A>G, p.Lys326= (NM_001128147.3, NM_000267.4).
Identifiers: ClinVar variation 480088 (VCV000480088.9), dbSNP rs1555610891, ClinGen allele CA499218340.
Genomic context (GRCh38, chr17:31,200,511, plus strand): 5'-TCTTGCTGGCCATGGAGGAAGTAGGCAGCTGACAGAAAGTGCTGCAATTGCCTGTGTCAA[A>G]CTGTGTAAAGCAAGTACTTACATCAATTGGGAAGATAACTCTGTCATTTTCCTACTTGTT-3'
Protein context (NP_001035957.1, residues 316-336): LTESAAIACV[Lys326=]LCKASTYINW